The following is an entry in ClinVar:

NM_012330.4(KAT6B):c.3004C>T (p.Arg1002Ter)

Gene: KAT6B (lysine acetyltransferase 6B; plus strand). Cytogenetic location: 10q22.2.
Variant type: single nucleotide variant.
Coding change: c.3004C>T on transcript NM_012330.4 (MANE Select); coding-DNA position 3004, C replaced by T.
Protein change: p.Arg1002Ter; replaces arginine 1002 with a stop codon.
Molecular consequence: nonsense.
Genome position (GRCh38, 1-based): chr10:75,021,268, C>T. VCF-style: chr10-75021268-C-T. GRCh37 (hg19) VCF-style: chr10-76781026-C-T.
Other names: c.2455C>T, p.Arg819Ter (NM_001256468.2, NM_001370138.1); c.2128C>T, p.Arg710Ter (NM_001256469.2, NM_001370139.1, NM_001370140.1 and 2 more transcripts); c.1966C>T, p.Arg656Ter (NM_001370132.1); c.1315C>T, p.Arg439Ter (NM_001370133.1); c.919C>T, p.Arg307Ter (NM_001370134.1); c.661C>T, p.Arg221Ter (NM_001370135.1); c.3004C>T, p.Arg1002Ter (NM_001370136.1, NM_001370137.1); c.1939C>T, p.Arg647Ter (NM_001370143.1, NM_001370144.1); short protein forms R1002*, R221*, R307*, R439*, R647*, R656*, R710*, R819*.
Identifiers: ClinVar variation 1691130 (VCV001691130.3), dbSNP rs2134159699, ClinGen allele CA377282641.

ClinVar aggregate classification (germline): Pathogenic/Likely pathogenic. Review status: criteria provided, multiple submitters, no conflicts (2 of 4 stars). 2 submissions from 2 submitters: Pathogenic (1); Likely pathogenic (1). Last evaluated 2022-12-15.

Submissions (2):

GeneDx
Classification: Pathogenic. Last evaluated: 2022-12-15. Review status: criteria provided, single submitter. Criteria: GeneDx Variant Classification Process June 2021. Collection method: clinical testing. Allele origin: germline. Affected: yes.
Comment: Identified heterozygous in a patient with intellectual disability and also reported with additional gene variants in the published literature (Grozeva et al., 2015); Nonsense variant predicted to result in protein truncation or nonsense mediated decay in a gene for which loss-of-function is a known mechanism of disease; Not observed at significant frequency in large population cohorts (gnomAD); This variant is associated with the following publications: (PMID: 26350204)

Institute for Clinical Genetics, University Hospital TU Dresden, University Hospital TU Dresden
Classification: Likely pathogenic. Last evaluated: 2021-12-17. Review status: criteria provided, single submitter. Criteria: ACMG Guidelines, 2015. Collection method: clinical testing. Allele origin: germline.
Comment: PVS1, PM2_SUP